The following is an entry in ClinVar:

NM_000448.3(RAG1):c.499G>A (p.Val167Ile)

Gene: RAG1 (recombination activating 1; plus strand). Cytogenetic location: 11p12.
Variant type: single nucleotide variant.
Coding change: c.499G>A on transcript NM_000448.3 (MANE Select); coding-DNA position 499, G replaced by A.
Protein change: p.Val167Ile; replaces valine 167 with isoleucine.
Molecular consequence: missense variant.
Genome position (GRCh38, 1-based): chr11:36,573,803, G>A. VCF-style: chr11-36573803-G-A. GRCh37 (hg19) VCF-style: chr11-36595353-G-A.
Other names: c.499G>A, p.Val167Ile (NM_001377277.1, NM_001377278.1, NM_001377279.1 and 1 more transcripts); short protein forms V167I.
Identifiers: ClinVar variation 2083291 (VCV002083291.4), dbSNP rs2494751941, ClinGen allele CA380146679.

ClinVar aggregate classification (germline): Uncertain significance (1 of 4 stars; one submission).

Conditions:
Combined immunodeficiency with skin granulomas. Identifiers: Orphanet 157949, MedGen C2673536, MONDO:0009306, OMIM 233650.
Severe combined immunodeficiency, autosomal recessive, T cell-negative, B cell-negative, NK cell-positive. Also called: SCID, AR, T-cell negative, B-cell negative, NK cell-positive; SCID, T CELL-NEGATIVE, B CELL-NEGATIVE, NK CELL-POSITIVE; Severe combined immunodeficiency due to complete RAG1/2 deficiency. Identifiers: Orphanet 331206, MedGen C1832322, MONDO:0011086, OMIM 601457.

Allele frequency attached by ClinVar (database versions not stated): gnomAD exomes below 0.00001.
gnomAD v4.1: 1 of 1,614,124 alleles (0.000062%); highest among the groups gnomAD compares: Non-Finnish European, 0.000085%; no homozygotes.

Submission:

Labcorp Genetics (formerly Invitae), Labcorp
Classification: Uncertain significance for Combined immunodeficiency with skin granulomas; Severe combined immunodeficiency, autosomal recessive, T cell-negative, B cell-negative, NK cell-positive. Last evaluated: 2023-12-11. Review status: criteria provided, single submitter. Criteria: Invitae Variant Classification Sherloc (09022015). Collection method: clinical testing. Allele origin: germline.
Comment: This sequence change replaces valine, which is neutral and non-polar, with isoleucine, which is neutral and non-polar, at codon 167 of the RAG1 protein (p.Val167Ile). This variant is not present in population databases (gnomAD no frequency). This variant has not been reported in the literature in individuals affected with RAG1-related conditions. ClinVar contains an entry for this variant (Variation ID: 2083291). Advanced modeling of protein sequence and biophysical properties (such as structural, functional, and spatial information, amino acid conservation, physicochemical variation, residue mobility, and thermodynamic stability) performed at Invitae indicates that this missense variant is not expected to disrupt RAG1 protein function with a negative predictive value of 80%. In summary, the available evidence is currently insufficient to determine the role of this variant in disease. Therefore, it has been classified as a Variant of Uncertain Significance.